The following is an entry in ClinVar:

NM_001378454.1(ALMS1):c.10897G>A (p.Ala3633Thr)

Gene: ALMS1 (ALMS1 centrosome and basal body associated protein; plus strand). Cytogenetic location: 2p13.1.
Variant type: single nucleotide variant.
Coding change: c.10897G>A on transcript NM_001378454.1 (MANE Select); coding-DNA position 10897, G replaced by A.
Protein change: p.Ala3633Thr; replaces alanine 3633 with threonine.
Molecular consequence: missense variant.
Genome position (GRCh38, 1-based): chr2:73,572,774, G>A. VCF-style: chr2-73572774-G-A. GRCh37 (hg19) VCF-style: chr2-73799901-G-A.
Other names: c.10900G>A, p.Ala3634Thr (NM_015120.4); short protein forms A3633T, A3634T.
Identifiers: ClinVar variation 4749661 (VCV004749661.1).

ClinVar aggregate classification (germline): Uncertain significance (1 of 4 stars; one submission).

Conditions:
Alstrom syndrome (ALMS). Identifiers: Orphanet 64, MedGen C0268425, MONDO:0008763, OMIM 203800.

gnomAD v4.1: 2 of 1,614,074 alleles (0.00012%); highest among the groups gnomAD compares: South Asian, 0.0022%; no homozygotes.

Submission:

Labcorp Genetics (formerly Invitae), Labcorp
Classification: Uncertain significance for Alstrom syndrome. Last evaluated: 2025-09-10. Review status: criteria provided, single submitter. Criteria: Invitae Variant Classification Sherloc (09022015). Collection method: clinical testing. Allele origin: germline.
Comment: This sequence change replaces alanine, which is neutral and non-polar, with threonine, which is neutral and polar, at codon 3634 of the ALMS1 protein (p.Ala3634Thr). This variant is present in population databases (rs544914897, gnomAD 0.006%). This variant has not been reported in the literature in individuals affected with ALMS1-related conditions. Experimental studies and prediction algorithms are not available or were not evaluated, and the functional significance of this variant is currently unknown. In summary, the available evidence is currently insufficient to determine the role of this variant in disease. Therefore, it has been classified as a Variant of Uncertain Significance.